The following is an entry in ClinVar:

NM_173560.4(RFX6):c.1428_1429del (p.Arg476fs)

Gene: RFX6 (regulatory factor X6; plus strand). Cytogenetic location: 6q22.1.
Variant type: Microsatellite.
Coding change: c.1428_1429del on transcript NM_173560.4 (MANE Select); coding-DNA positions 1428 to 1429, 2 bases deleted (AG; older notation c.1428_1429delAG).
Protein change: p.Arg476fs; shifts the reading frame from arginine 476.
Molecular consequence: frameshift variant.
Genome position (GRCh38, 1-based): chr6:116,922,142-116,922,143, AG deleted; deleting any 2 consecutive bases within chr6:116,922,138-116,922,143 gives the same sequence; the c. name uses the placement nearest the transcript's 3' end. VCF-style (leftmost placement, unchanged base first): chr6-116922137-CAG-C. GRCh37 (hg19) VCF-style: chr6-117243300-CAG-C.
Other names: short protein forms R476fs.
Identifiers: ClinVar variation 5006960 (VCV005006960.2).

ClinVar aggregate classification (germline): Likely pathogenic (1 of 4 stars; one submission).

Conditions:
Hypoplastic pancreas-intestinal atresia-hypoplastic gallbalder syndrome. Also called: DIABETES, NEONATAL, WITH PANCREATIC HYPOPLASIA, INTESTINAL ATRESIA, AND GALLBLADDER APLASIA OR HYPOPLASIA; Mitchell-Riley syndrome. Identifiers: Orphanet 293864, MedGen C2748662, MONDO:0017400, OMIM 615710.

Submission:

Juno Genomics, Hangzhou Juno Genomics, Inc
Classification: Likely pathogenic for Hypoplastic pancreas-intestinal atresia-hypoplastic gallbalder syndrome. Review status: criteria provided, single submitter. Criteria: ACMG Guidelines, 2015. Collection method: clinical testing. Allele origin: germline.
Comment: Null variant in a gene where loss of function (LOF) is a known mechanism of disease.;Absent from controls (or at extremely low frequency if recessive) in Genome Aggregation Database.